The following is an entry in ClinVar:

ClinVar aggregate classification (germline): Pathogenic (1 of 4 stars; one submission).

Conditions:
Fabry disease. Also called: ALPHA-GALACTOSIDASE A DEFICIENCY; ANDERSON-FABRY DISEASE; CERAMIDE TRIHEXOSIDASE DEFICIENCY; GLA DEFICIENCY; HEREDITARY DYSTOPIC LIPIDOSIS; Angiokeratoma corporis diffusum. Identifiers: Orphanet 324, MedGen C0002986, MONDO:0010526, OMIM 301500, HP:0001071. Disease mechanism: Fabry disease is due to inactivating mutations in the X-linked GLA gene resulting in deficiency of the enzyme Alpha Galactosidase-A., loss of function.

Submission:

Genomenon, Inc
Classification: Pathogenic for Fabry disease. Last evaluated: 2026-09-08. Review status: criteria provided, single submitter. Criteria: Genomenon Sequence Variant Interpretation Standards - Updated. Collection method: curation. Allele origin: germline. Affected: yes.
Comment: GLA p.Gly171Val (c.512G>T) is a missense variant that changes the amino acid at codon 171 from Glycine to Valine. This variant has been observed in at least one proband with clinical features consistent with Fabry disease (PMID:32813676). At least one functional study has demonstrated a substantial alteration in protein function relative to the wild-type (PMID:32023956). This variant is located in a mutational hotspot and/or important functional domain. It is absent or not present at a significant frequency in gnomAD. In silico models predict that this variant is possibly or probably damaging. In conclusion, we classify GLA p.Gly171Val (c.512G>T) as a pathogenic variant.

Literature cited by the submitters: PubMed 32813676; PubMed 32023956.

NM_000169.3(GLA):c.512G>T (p.Gly171Val)

Genes: GLA (galactosidase alpha; minus strand), RPL36A-HNRNPH2 (RPL36A-HNRNPH2 readthrough; plus strand). Cytogenetic location: Xq22.1.
Variant type: single nucleotide variant.
Coding change: c.512G>T on transcript NM_000169.3 (MANE Select); coding-DNA position 512, G replaced by T.
Protein change: p.Gly171Val; replaces glycine 171 with valine.
Molecular consequence: missense variant. On other transcripts: non-coding transcript variant (3), intron variant (2).
Genome position (GRCh38, 1-based): chrX:101,401,667, C>A on the plus strand (G>T on the coding strand, the complement: GLA is on the minus strand). VCF-style: chrX-101401667-C-A. GRCh37 (hg19) VCF-style: chrX-100656655-C-A.
Other names: c.635G>T, p.Gly212Val (NM_001406747.1, NM_001406749.1); c.512G>T, p.Gly171Val (NM_001406748.1); c.300+6210C>A (NM_001199973.2); c.177+9845C>A (NM_001199974.2); short protein forms G171V, G212V.
Identifiers: ClinVar variation 4087405 (VCV004087405.2).